The following is an entry in ClinVar:

NM_004304.5(ALK):c.2769_2789del (p.Cys928_Gly934del)

Gene: ALK (ALK receptor tyrosine kinase; minus strand). Cytogenetic location: 2p23.2.
Variant type: Deletion.
Coding change: c.2769_2789del on transcript NM_004304.5 (MANE Select); coding-DNA positions 2769 to 2789, 21 bases deleted (GGGTGGAGGGGGGTGCTCCTC).
Protein change: p.Cys928_Gly934del.
Genome position (GRCh38, 1-based): chr2:29,228,910-29,228,930, GAGGAGCACCCCCCTCCACCC deleted on the plus strand (GGGTGGAGGGGGGTGCTCCTC on the coding strand, the reverse complement: ALK is on the minus strand). VCF-style (leftmost placement, unchanged base first): chr2-29228909-TGAGGAGCACCCCCCTCCACCC-T. GRCh37 (hg19) VCF-style: chr2-29451775-TGAGGAGCACCCCCCTCCACCC-T.
Identifiers: ClinVar variation 5035191 (VCV005035191.1).

ClinVar aggregate classification (germline): Uncertain significance (1 of 4 stars; one submission).

Conditions:
Hereditary cancer-predisposing syndrome. Also called: Hereditary Cancer Syndrome; Neoplastic Syndromes, Hereditary; Tumor predisposition; Hereditary neoplastic syndrome. Identifiers: Orphanet 140162, MedGen C0027672, MeSH D009386, MONDO:0015356.

Submission:

Ambry Genetics
Classification: Uncertain significance for Hereditary cancer-predisposing syndrome. Last evaluated: 2026-07-07. Review status: criteria provided, single submitter. Criteria: Ambry Variant Classification Scheme 2023. Collection method: clinical testing. Allele origin: germline.
Comment: The c.2769_2789del21 variant (also known as p.C928_G934del) is located in coding exon 16 of the ALK gene. This variant results from an in-frame GGGTGGAGGGGGGTGCTCCTC deletion at nucleotide positions 2769 to 2789. This results in the in-frame deletion of CSSGGGG residues at codons 928 to 934. This amino acid region is not well conserved in available vertebrate species. In addition, this variant is predicted to be deleterious by in silico analysis (Choi Y et al. PLoS ONE. 2012; 7(10):e46688). Based on the available evidence, the clinical significance of this variant remains unclear.